The following is an entry in ClinVar:

ClinVar aggregate classification (germline): Uncertain significance (1 of 4 stars; one submission).

gnomAD v4.1: 1 of 1,453,512 alleles (0.000069%); highest among the groups gnomAD compares: Non-Finnish European, 0.00009%; no homozygotes.

Submission:

Labcorp Genetics (formerly Invitae), Labcorp
Classification: Uncertain significance. Last evaluated: 2021-03-24. Review status: criteria provided, single submitter. Criteria: Invitae Variant Classification Sherloc (09022015). Collection method: clinical testing. Allele origin: germline.
Comment: The frequency data for this variant in the population databases is considered unreliable, as metrics indicate insufficient coverage at this position in the ExAC database. This variant has not been reported in the literature in individuals with CARMIL2-related conditions. Algorithms developed to predict the effect of missense changes on protein structure and function are either unavailable or do not agree on the potential impact of this missense change (SIFT: "Deleterious"; PolyPhen-2: "Benign"; Align-GVGD: "Class C0"). In summary, the available evidence is currently insufficient to determine the role of this variant in disease. Therefore, it has been classified as a Variant of Uncertain Significance. This sequence change replaces arginine with glycine at codon 465 of the CARMIL2 protein (p.Arg465Gly). The arginine residue is moderately conserved and there is a moderate physicochemical difference between arginine and glycine.

NM_001013838.3(CARMIL2):c.1393C>G (p.Arg465Gly)

Gene: CARMIL2 (capping protein regulator and myosin 1 linker 2; plus strand). Cytogenetic location: 16q22.1.
Variant type: single nucleotide variant.
Coding change: c.1393C>G on transcript NM_001013838.3 (MANE Select); coding-DNA position 1393, C replaced by G.
Protein change: p.Arg465Gly; replaces arginine 465 with glycine.
Molecular consequence: missense variant.
Genome position (GRCh38, 1-based): chr16:67,648,456, C>G. VCF-style: chr16-67648456-C-G. GRCh37 (hg19) VCF-style: chr16-67682359-C-G.
Other names: c.1285C>G, p.Arg429Gly (NM_001317026.3); short protein forms R429G, R465G.
Identifiers: ClinVar variation 1490304 (VCV001490304.8), dbSNP rs2142920312, ClinGen allele CA396336595.